The following is an entry in ClinVar:

ClinVar aggregate classification (germline): Benign. Review status: reviewed by expert panel (3 of 4 stars). 25 submissions from 25 submitters: Benign (1). 24 of the submissions do not count toward it. Last evaluated 2019-06-18.

Conditions:
Hereditary cancer-predisposing syndrome. Also called: Hereditary Cancer Syndrome; Tumor predisposition; Neoplastic Syndromes, Hereditary; Hereditary neoplastic syndrome. Identifiers: Orphanet 140162, MedGen C0027672, MeSH D009386, MONDO:0015356.
Hereditary breast ovarian cancer syndrome. Also called: Breast and ovarian cancer; BRCA1- and BRCA2-Associated Hereditary Breast and Ovarian Cancer; Hereditary breast and ovarian cancer; Hereditary breast and ovarian cancer syndrome (HBOC); Hereditary breast and ovarian cancer syndrome; Hereditary breast and/or ovarian cancer syndrome. Identifiers: Orphanet 145, MedGen C0677776, MeSH D061325, MONDO:0003582. Disease mechanism: loss of function.
Breast-ovarian cancer, familial, susceptibility to, 2 (BROVCA2). Also called: BRCA2 Hereditary Breast and Ovarian Cancer. Identifiers: Orphanet 145, MedGen C2675520, MONDO:0012933, OMIM 612555. Disease mechanism: loss of function.
Malignant tumor of breast. Also called: Malignant breast neoplasm; Cancer breast. Identifiers: MedGen C0006142, MONDO:0007254. Disease mechanism: loss of function.

Allele frequency attached by ClinVar (database versions not stated): TOPMed 0.00108; gnomAD 0.00109 and 0.00105; ESP Exome Variant Server 0.00131; 1000 Genomes Project 0.00240; 1000 Genomes Project 30x 0.00265; gnomAD exomes 0.00008 and 0.00027; ExAC 0.00039.
gnomAD v4.1: 287 of 1,611,792 alleles (0.018%); highest among the groups gnomAD compares: African/African-American, 0.34%; no homozygotes.

Submissions 1 to 19 of 25:

Evidence-based Network for the Interpretation of Germline Mutant Alleles (ENIGMA)
Classification: Benign for Breast-ovarian cancer, familial, susceptibility to, 2. Last evaluated: 2019-06-18. Review status: reviewed by expert panel. Criteria: ENIGMA BRCA1/2 Classification Criteria (2017-06-29). Collection method: curation. Allele origin: germline.
Comment: Variant allele has low bioinformatic likelihood to encode a missense alteration affecting protein function (Missense prior probability 0.02), AND low bioinformatic likelihood to alter mRNA splicing (splicing prior 0.02), AND minor allele frequency 0.00415 (African), derived from gnomAD v2.1.1 non-cancer (2019-05-13).

Labcorp Genetics (formerly Invitae), Labcorp
Classification: Benign for Hereditary breast ovarian cancer syndrome. Last evaluated: 2026-02-04. Review status: criteria provided, single submitter. Criteria: Invitae Variant Classification Sherloc (09022015). Collection method: clinical testing. Allele origin: germline. Not counted in ClinVar's aggregate classification.

CeGaT Center for Human Genetics Tuebingen
Classification: Likely benign. Last evaluated: 2026-01-01. Review status: criteria provided, single submitter. Criteria: CeGaT Center For Human Genetics Tuebingen Variant Classification Criteria Version 2. Collection method: clinical testing. Allele origin: germline. Affected: yes. Observed: 1 variant allele. Not counted in ClinVar's aggregate classification.
Comment: BRCA2: BP4, BS1

Dasa
Classification: Benign for Breast-ovarian cancer, familial, susceptibility to, 2. Last evaluated: 2025-12-29. Review status: criteria provided, single submitter. Criteria: DASA Assertion Criteria. Collection method: clinical testing. Allele origin: germline. Not counted in ClinVar's aggregate classification.
Comment: NM_000059.4(BRCA2):c.1040A>G (p.Gln347Arg) is interpreted as benign based on a combination of available evidence, which may include population frequency, observations in unaffected individuals, intact protein function, lack of segregation with disease, in silico models, amino acid conservation, lack of disease association in case-control studies, and/or inconsistency with the known disease mechanism or impacted region. Based on the available data, this variant is classified as benign.

Institute for Biomarker Research, Medical Diagnostic Laboratories, L.L.C.
Classification: Benign for Hereditary breast ovarian cancer syndrome. Last evaluated: 2025-08-11. Review status: criteria provided, single submitter. Criteria: ACMG Guidelines, 2015. Collection method: clinical testing. Allele origin: germline. Not counted in ClinVar's aggregate classification.
Comment: The missense variant NM_000059.4(BRCA2):c.1040A>G (p.Gln347Arg) has been reported to ClinVar as Benign with a status of (3 stars) reviewed by expert panel (Variation ID 51060 as of 2025-07-03). The variant is observed in one or more well-documented healthy adults.There is a small physicochemical difference between glutamine and arginine, which is not likely to impact secondary protein structure as these residues share similar properties. The p.Gln347Arg variant is not predicted to introduce a novel splice site by any splice site algorithm. The p.Gln347Arg missense variant is predicted to be tolerated by both SIFT or PolyPhen2. The nucleotide c.1040 in BRCA2 is not conserved according to a GERP++ and PhyloP analysis of 100 vertebrates. For these reasons, this variant has been classified as Benign.

Center for Genomic Medicine, Rigshospitalet, Copenhagen University Hospital
Classification: Benign. Last evaluated: 2025-03-04. Review status: criteria provided, single submitter. Criteria: ACMG Guidelines, 2015. Collection method: clinical testing. Allele origin: germline. Not counted in ClinVar's aggregate classification.

Blueprint Genetics
Classification: Likely benign. Last evaluated: 2024-07-30. Review status: criteria provided, single submitter. Criteria: ACMG Guidelines, 2015. Collection method: clinical testing. Allele origin: germline. Not counted in ClinVar's aggregate classification.

Quest Diagnostics Nichols Institute San Juan Capistrano
Classification: Benign. Last evaluated: 2023-05-03. Review status: criteria provided, single submitter. Criteria: Quest Diagnostics criteria. Collection method: clinical testing. Allele origin: unknown. Not counted in ClinVar's aggregate classification.

ARUP Laboratories, Molecular Genetics and Genomics, ARUP Laboratories
Classification: Likely benign. Last evaluated: 2022-05-06. Review status: criteria provided, single submitter. Criteria: ARUP Molecular Germline Variant Investigation Process 2021. Collection method: clinical testing. Allele origin: germline. Not counted in ClinVar's aggregate classification.

Genetics Program, Instituto Nacional de Cancer
Classification: Likely benign for Hereditary breast ovarian cancer syndrome. Last evaluated: 2021-11-01. Review status: criteria provided, single submitter. Criteria: ACMG Guidelines, 2015. Collection method: research. Allele origin: germline. Affected: yes. Not counted in ClinVar's aggregate classification.

GeneDx
Classification: Likely benign. Last evaluated: 2021-05-24. Review status: criteria provided, single submitter. Criteria: GeneDx Variant Classification Process June 2021. Collection method: clinical testing. Allele origin: germline. Affected: yes. Not counted in ClinVar's aggregate classification.
Comment: This variant is associated with the following publications: (PMID: 25348012, 20104584, 26315209, 24504028, 23555315, 18284688, 21520273)

Sema4
Classification: Benign for Hereditary cancer-predisposing syndrome. Last evaluated: 2020-12-02. Review status: criteria provided, single submitter. Criteria: Sema4 Curation Guidelines. Collection method: curation. Allele origin: germline. Not counted in ClinVar's aggregate classification.

Ambry Genetics
Classification: Likely benign for Hereditary cancer-predisposing syndrome. Last evaluated: 2018-10-18. Review status: criteria provided, single submitter. Criteria: Ambry Variant Classification Scheme 2023. Collection method: clinical testing. Allele origin: germline. Not counted in ClinVar's aggregate classification.

Genetic Services Laboratory, University of Chicago
Classification: Uncertain significance. Last evaluated: 2018-09-12. Review status: criteria provided, single submitter. Criteria: ACMG Guidelines, 2015. Collection method: clinical testing. Allele origin: germline. Affected: no. Not counted in ClinVar's aggregate classification.

PreventionGenetics, part of Exact Sciences
Classification: Likely benign. Last evaluated: 2017-05-05. Review status: criteria provided, single submitter. Criteria: ACMG Guidelines, 2015. Collection method: clinical testing. Allele origin: germline. Not counted in ClinVar's aggregate classification.

Women's Health and Genetics/Laboratory Corporation of America, LabCorp
Classification: Likely benign. Last evaluated: 2016-04-11. Review status: criteria provided, single submitter. Criteria: LabCorp Variant Classification Summary - May 2015. Collection method: clinical testing. Allele origin: germline. Not counted in ClinVar's aggregate classification.
Comment: Variant summary: The c.1040A>G variant affects a non-conserved nucleotide, resulting in amino acid change from Gln to Arg. 4/5 in-silico tools predict this variant to be benign. This variant is found in 47/120376 control chromosomes at a frequency of 0.0003904, however is present at 10-fold higher frequency in the African population (0.004533 in ExAC), which exceeds the maximum expected allele frequency for a pathogenic variant in BRCA2 (0.0007503). This suggests that this variant is a benign polymorphism in populations of African origin. This variant has been reported in BrC or OvC patients without evidence for causality. Multiple clinical laboratories classified this variant as benign/likely benign. Taken together, this variant is classified as Likely Benign until additional information becomes available.

Color Diagnostics, LLC DBA Color Health
Classification: Benign for Hereditary cancer-predisposing syndrome. Last evaluated: 2016-01-05. Review status: criteria provided, single submitter. Criteria: ACMG Guidelines, 2015. Collection method: clinical testing. Allele origin: germline. Not counted in ClinVar's aggregate classification.

Clinical Genetics DNA and cytogenetics Diagnostics Lab, Erasmus MC, Erasmus Medical Center
Classification: Likely benign for Breast-ovarian cancer, familial, susceptibility to, 2. Last evaluated: 2015-09-21. Review status: criteria provided, single submitter. Criteria: ACGS Guidelines, 2013. Collection method: clinical testing. Allele origin: germline. Affected: yes. Study: VKGL Data-share Consensus. Not counted in ClinVar's aggregate classification.

Eurofins Ntd Llc (ga)
Classification: Likely benign. Last evaluated: 2015-01-08. Review status: criteria provided, single submitter. Criteria: EGL Classification Definitions 2015. Collection method: clinical testing. Allele origin: germline. Observed: 2 variant alleles, 2 heterozygotes. Not counted in ClinVar's aggregate classification.

NM_000059.4(BRCA2):c.1040A>G (p.Gln347Arg)

Gene: BRCA2 (BRCA2 DNA repair associated; plus strand). Cytogenetic location: 13q13.1.
Variant type: single nucleotide variant.
Coding change: c.1040A>G on transcript NM_000059.4 (MANE Select); coding-DNA position 1040, A replaced by G.
Protein change: p.Gln347Arg; replaces glutamine 347 with arginine.
Molecular consequence: missense variant.
Genome position (GRCh38, 1-based): chr13:32,332,518, A>G. VCF-style: chr13-32332518-A-G. GRCh37 (hg19) VCF-style: chr13-32906655-A-G.
Other names: p.Q347R:CAA>CGA; 1268A>G; short protein forms Q347R.
Identifiers: ClinVar variation 51060 (VCV000051060.78), dbSNP rs55800493, ClinGen allele CA010641.
Genomic context (GRCh38, chr13:32,332,518, plus strand): 5'-AGACTAGGAAAAAAATTTTCCATGAAGCAAACGCTGATGAATGTGAAAAATCTAAAAACC[A>G]AGTGAAAGAAAAATACTCATTTGTATCTGAAGTGGAACCAAATGATACTGATCCATTAGA-3'
Protein context (NP_000050.3, residues 337-357): NADECEKSKN[Gln347Arg]VKEKYSFVSE